The following is an entry in ClinVar:

ClinVar aggregate classification (germline): Uncertain significance (1 of 4 stars; one submission).

Submission:

GeneDx
Classification: Uncertain significance. Last evaluated: 2024-10-10. Review status: criteria provided, single submitter. Criteria: GeneDx Variant Classification Process June 2021. Collection method: clinical testing. Allele origin: germline. Affected: yes.
Comment: Not observed at significant frequency in large population cohorts (gnomAD); In silico analysis supports that this missense variant has a deleterious effect on protein structure/function; Has not been previously published as pathogenic or benign to our knowledge

NM_001385012.1(NBEA):c.202C>T (p.Arg68Cys)

Gene: NBEA (neurobeachin; plus strand). Cytogenetic location: 13q13.3.
Variant type: single nucleotide variant.
Coding change: c.202C>T on transcript NM_001385012.1 (MANE Select); coding-DNA position 202, C replaced by T.
Protein change: p.Arg68Cys; replaces arginine 68 with cysteine.
Molecular consequence: missense variant.
Genome position (GRCh38, 1-based): chr13:34,943,022, C>T. VCF-style: chr13-34943022-C-T. GRCh37 (hg19) VCF-style: chr13-35517159-C-T.
Other names: c.202C>T, p.Arg68Cys (NM_001379245.1, NM_015678.5); short protein forms R68C.
Identifiers: ClinVar variation 3777434 (VCV003777434.1).
Genomic context (GRCh38, chr13:34,943,022, plus strand): 5'-GCGTCCGGCTCCGGCTCGGTGATGCTCCCCGCGGGGATGATTAACCCTTCGGTGCCGATC[C>T]GCAACATCCGGATGAAATTCGCAGTGTTGATTGGACTCATACAGGTCGGAGAGGTCAGCA-3'
Protein context (NP_001371941.1, residues 58-78): AGMINPSVPI[Arg68Cys]NIRMKFAVLI